The following is an entry in ClinVar:

ClinVar aggregate classification (germline): Likely pathogenic (1 of 4 stars; one submission).

Conditions:
Hereditary cancer-predisposing syndrome. Also called: Hereditary Cancer Syndrome; Hereditary neoplastic syndrome; Tumor predisposition; Neoplastic Syndromes, Hereditary. Identifiers: Orphanet 140162, MedGen C0027672, MeSH D009386, MONDO:0015356.

Submission:

Ambry Genetics
Classification: Likely pathogenic for Hereditary cancer-predisposing syndrome. Last evaluated: 2020-03-03. Review status: criteria provided, single submitter. Criteria: Ambry Variant Classification Scheme 2023. Collection method: clinical testing. Allele origin: germline.
Comment: The c.251_252insAlu likely pathogenic variant results from an Alu element insertion located in coding exon 3 of the SDHB gene. Alu element insertions have been shown to contribute to pathogenicity by either disrupting a coding region or a splice signal (Belancio VP et al. Semin. Cancer Biol. 2010 Aug;20:200-10; Deininger P et al. Genome Biol. 2011 Dec;12:236). Based on the majority of available evidence to date, this variant is likely to be pathogenic.

NM_003000.2:c.251_252insALU

Gene: SDHB (succinate dehydrogenase complex iron sulfur subunit B; minus strand).
Variant type: Insertion.
Identifiers: ClinVar variation 1792391 (VCV001792391.2).